The following is an entry in ClinVar:

ClinVar aggregate classification (germline): Pathogenic (1 of 4 stars; one submission).

Conditions:
Alstrom syndrome (ALMS). Identifiers: Orphanet 64, MedGen C0268425, MONDO:0008763, OMIM 203800.

Submission:

Labcorp Genetics (formerly Invitae), Labcorp
Classification: Pathogenic for Alstrom syndrome. Last evaluated: 2023-08-07. Review status: criteria provided, single submitter. Criteria: Invitae Variant Classification Sherloc (09022015). Collection method: clinical testing. Allele origin: germline.
Comment: This sequence change creates a premature translational stop signal (p.Ser1904Valfs*16) in the ALMS1 gene. It is expected to result in an absent or disrupted protein product. Loss-of-function variants in ALMS1 are known to be pathogenic (PMID: 17594715). This variant is not present in population databases (gnomAD no frequency). This variant has not been reported in the literature in individuals affected with ALMS1-related conditions. For these reasons, this variant has been classified as Pathogenic.

Literature cited by the submitters: PubMed 17594715.

NM_001378454.1(ALMS1):c.5706del (p.Ser1903fs)

Gene: ALMS1 (ALMS1 centrosome and basal body associated protein; plus strand). Cytogenetic location: 2p13.1.
Variant type: Deletion.
Coding change: c.5706del on transcript NM_001378454.1 (MANE Select); coding-DNA position 5706, one base deleted (C; older notation c.5706delC).
Protein change: p.Ser1903fs; shifts the reading frame from serine 1903.
Molecular consequence: frameshift variant.
Genome position (GRCh38, 1-based): chr2:73,452,233, C deleted; the last of 2 consecutive C bases (chr2:73,452,232-73,452,233); deleting either gives the same sequence. VCF-style (leftmost placement, unchanged base first): chr2-73452231-GC-G. GRCh37 (hg19) VCF-style: chr2-73679358-GC-G.
Other names: c.5709del, p.Ser1904fs (NM_015120.4); short protein forms S1903fs, S1904fs.
Identifiers: ClinVar variation 2750875 (VCV002750875.3), dbSNP rs2466106228, ClinGen allele CA2659618858.